The following is an entry in ClinVar:

ClinVar aggregate classification (germline): Benign/Likely benign. Review status: criteria provided, multiple submitters, no conflicts (2 of 4 stars). 3 submissions from 3 submitters: Benign (1); Likely benign (2). Last evaluated 2026-06-16.

Conditions:
Hereditary cancer-predisposing syndrome. Also called: Tumor predisposition; Hereditary neoplastic syndrome; Neoplastic Syndromes, Hereditary; Hereditary Cancer Syndrome. Identifiers: Orphanet 140162, MedGen C0027672, MeSH D009386, MONDO:0015356.
Gastrointestinal stromal tumor. Also called: Gastrointestinal stroma tumor; Gastrointestinal stromal tumor, somatic. Identifiers: Orphanet 44890, MedGen C0238198, MeSH D046152, MONDO:0011719, OMIM 606764, HP:0100723.
Polyps, multiple and recurrent inflammatory fibroid, gastrointestinal. Identifiers: MedGen C5193005, MONDO:0008285, OMIM 175510.

Allele frequency attached by ClinVar (database versions not stated): gnomAD 0.00001; TOPMed 0.00006.
gnomAD v4.1: 35 of 1,613,574 alleles (0.0022%); highest among the groups gnomAD compares: South Asian, 0.026%; no homozygotes.

Submissions (3):

Myriad Genetics, Inc.
Classification: Benign for Polyps, multiple and recurrent inflammatory fibroid, gastrointestinal. Last evaluated: 2026-06-16. Review status: criteria provided, single submitter. Criteria: Myriad Autosomal Dominant, Autosomal Recessive and X-Linked Classification Criteria (2023). Collection method: clinical testing. Allele origin: unknown.
Comment: This variant is considered benign. This variant is a silent/synonymous amino acid change and it is not expected to impact splicing.

Labcorp Genetics (formerly Invitae), Labcorp
Classification: Likely benign for Gastrointestinal stromal tumor. Last evaluated: 2026-01-28. Review status: criteria provided, single submitter. Criteria: Invitae Variant Classification Sherloc (09022015). Collection method: clinical testing. Allele origin: germline.

Ambry Genetics
Classification: Likely benign for Hereditary cancer-predisposing syndrome. Last evaluated: 2020-02-07. Review status: criteria provided, single submitter. Criteria: Ambry Variant Classification Scheme 2023. Collection method: clinical testing. Allele origin: germline.

NM_006206.6(PDGFRA):c.18G>A (p.Pro6=)

Gene: PDGFRA (platelet derived growth factor receptor alpha; plus strand). Cytogenetic location: 4q12.
Variant type: single nucleotide variant.
Coding change: c.18G>A on transcript NM_006206.6 (MANE Select); coding-DNA position 18, G replaced by A.
Protein change: p.Pro6=; no amino-acid change (proline 6 retained).
Molecular consequence: synonymous variant.
Genome position (GRCh38, 1-based): chr4:54,258,786, G>A. VCF-style: chr4-54258786-G-A. GRCh37 (hg19) VCF-style: chr4-55124953-G-A.
Other names: c.18G>A, p.Pro6= (NM_001347827.2, NM_001347829.2); c.93G>A, p.Pro31= (NM_001347828.2); c.57G>A, p.Pro19= (NM_001347830.2).
Identifiers: ClinVar variation 459032 (VCV000459032.15), dbSNP rs753179440, ClinGen allele CA2922198.
Genomic context (GRCh38, chr4:54,258,786, plus strand): 5'-TGCTGTTTCTGTTGACTTTTGACTTTTCTAGTTTCCCAGAGCTATGGGGACTTCCCATCC[G>A]GCGTTCCTGGTCTTAGGCTGTCTTCTCACAGGTACGGAGCCCAGTCCTCTCTGAGTTCCT-3'
Protein context (NP_006197.1, residues 1-16): MGTSH[Pro6=]AFLVLGCLLT